The following is an entry in ClinVar:

NM_018847.4(KLHL9):c.51G>A (p.Gln17=)

Gene: KLHL9 (kelch like family member 9; minus strand). Cytogenetic location: 9p21.3.
Variant type: single nucleotide variant.
Coding change: c.51G>A on transcript NM_018847.4 (MANE Select); coding-DNA position 51, G replaced by A.
Protein change: p.Gln17=; no amino-acid change (glutamine 17 retained).
Molecular consequence: synonymous variant.
Genome position (GRCh38, 1-based): chr9:21,334,809, C>T on the plus strand (G>A on the coding strand, the complement: KLHL9 is on the minus strand). VCF-style: chr9-21334809-C-T. GRCh37 (hg19) VCF-style: chr9-21334808-C-T.
Other names: c.51G>A (NM_018847.3).
Identifiers: ClinVar variation 1556141 (VCV001556141.32), dbSNP rs549815739, ClinGen allele CA5010710.

ClinVar aggregate classification (germline): Benign/Likely benign. Review status: criteria provided, multiple submitters, no conflicts (2 of 4 stars). 3 submissions from 3 submitters: Benign (1); Likely benign (1). 1 of the submissions does not count toward it. Last evaluated 2023-10-01.

Conditions:
KLHL9-related disorder. Also called: KLHL9-related condition.

Allele frequency attached by ClinVar (database versions not stated): TOPMed 0.00005; 1000 Genomes Project 30x 0.00031; 1000 Genomes Project 0.00040.

Submissions (3):

CeGaT Center for Human Genetics Tuebingen
Classification: Likely benign. Last evaluated: 2023-10-01. Review status: criteria provided, single submitter. Criteria: CeGaT Center For Human Genetics Tuebingen Variant Classification Criteria Version 2. Collection method: clinical testing. Allele origin: germline. Affected: yes. Observed: 1 variant allele.
Comment: KLHL9: BP4, BS2

Labcorp Genetics (formerly Invitae), Labcorp
Classification: Benign. Last evaluated: 2023-08-17. Review status: criteria provided, single submitter. Criteria: Invitae Variant Classification Sherloc (09022015). Collection method: clinical testing. Allele origin: germline.

PreventionGenetics, part of Exact Sciences
Classification: Likely benign for KLHL9-related condition. Last evaluated: 2019-03-01. Review status: no assertion criteria provided. Collection method: clinical testing. Allele origin: germline. Not counted in ClinVar's aggregate classification.
Comment: This variant is classified as likely benign based on ACMG/AMP sequence variant interpretation guidelines (Richards et al. 2015 PMID: 25741868, with internal and published modifications).